The following is an entry in ClinVar:

ClinVar aggregate classification (germline): Uncertain significance (1 of 4 stars; one submission).

Conditions:
Dyskeratosis congenita, autosomal dominant 1 (DKCA1). Also called: Dyskeratosis congenita Scoggins type. Identifiers: Orphanet 1775, MedGen C4551974, MONDO:0007485, OMIM 127550. Inheritance: Variable.

Submission:

Labcorp Genetics (formerly Invitae), Labcorp
Classification: Uncertain significance for Dyskeratosis congenita, autosomal dominant 1. Last evaluated: 2023-10-25. Review status: criteria provided, single submitter. Criteria: Invitae Variant Classification Sherloc (09022015). Collection method: clinical testing. Allele origin: germline.
Comment: This variant occurs in the TERC gene, which encodes an RNA molecule that does not result in a protein product. This variant is not present in population databases (gnomAD no frequency). This variant has not been reported in the literature in individuals affected with TERC-related conditions. This variant is located within the BoxH/ACA scaRNA domain of the TERC RNA component, which is required for telomerase activity (PMID: 21844345). In summary, the available evidence is currently insufficient to determine the role of this variant in disease. Therefore, it has been classified as a Variant of Uncertain Significance.

Literature cited by the submitters: PubMed 21844345.

NC_000003.12:g.169764712A>T

Genes: TERC (telomerase RNA component; minus strand), LOC110806306 (telomerase RNA component (TERC) promoter; plus strand). Cytogenetic location: 3q26.2.
Variant type: single nucleotide variant.
Genome position: GRCh38 VCF-style: chr3-169764712-A-T. GRCh37 (hg19) VCF-style: chr3-169482500-A-T.
Identifiers: ClinVar variation 2771703 (VCV002771703.3), dbSNP rs2108182875, ClinGen allele CA436714976.